The following is an entry in ClinVar:

NM_182931.3(KMT2E):c.3097A>C (p.Thr1033Pro)

Gene: KMT2E (lysine methyltransferase 2E (inactive); plus strand). Cytogenetic location: 7q22.3.
Variant type: single nucleotide variant.
Coding change: c.3097A>C on transcript NM_182931.3 (MANE Select); coding-DNA position 3097, A replaced by C.
Protein change: p.Thr1033Pro; replaces threonine 1033 with proline.
Molecular consequence: missense variant.
Genome position (GRCh38, 1-based): chr7:105,107,554, A>C. VCF-style: chr7-105107554-A-C. GRCh37 (hg19) VCF-style: chr7-104748001-A-C.
Other names: c.3097A>C, p.Thr1033Pro (NM_001410908.1, NM_018682.4); short protein forms T1033P.
Identifiers: ClinVar variation 4998847 (VCV004998847.1).

ClinVar aggregate classification (germline): Uncertain significance (1 of 4 stars; one submission).

Conditions:
KMT2E-related disorder. Also called: KMT2E-related condition.

Submission:

PreventionGenetics, part of Exact Sciences
Classification: Uncertain significance for KMT2E-related condition. Last evaluated: 2025-08-10. Review status: criteria provided, single submitter. Criteria: ACMG Guidelines, 2015. Collection method: clinical testing. Allele origin: germline.
Comment: The KMT2E c.3097A>C variant is predicted to result in the amino acid substitution p.Thr1033Pro. To our knowledge, this variant has not been reported in the literature or in a large population database (gnomAD), indicating this variant is rare. At this time, the clinical significance of this variant is uncertain due to the absence of conclusive functional and genetic evidence.